The following is an entry in ClinVar:

ClinVar aggregate classification (germline): Pathogenic (1 of 4 stars; one submission).

Submission:

Labcorp Genetics (formerly Invitae), Labcorp
Classification: Pathogenic. Last evaluated: 2025-11-09. Review status: criteria provided, single submitter. Criteria: Invitae Variant Classification Sherloc (09022015). Collection method: clinical testing. Allele origin: germline.
Comment: This sequence change creates a premature translational stop signal (p.Phe3477Serfs*26) in the TNXB gene. It is expected to result in an absent or disrupted protein product. Loss-of-function variants in TNXB are known to be pathogenic (PMID: 9288108, 11642233). This variant is not present in population databases (gnomAD no frequency). This variant has not been reported in the literature in individuals affected with TNXB-related conditions. For these reasons, this variant has been classified as Pathogenic.

Literature cited by the submitters: PubMed 9288108; PubMed 11642233.

NM_001365276.2(TNXB):c.10436del (p.Phe3479fs)

Gene: TNXB (tenascin XB; minus strand). Cytogenetic location: 6p21.33.
Variant type: Deletion.
Coding change: c.10436del on transcript NM_001365276.2 (MANE Select); coding-DNA position 10436, one base deleted (T; older notation c.10436delT).
Protein change: p.Phe3479fs; shifts the reading frame from phenylalanine 3479.
Molecular consequence: frameshift variant.
Genome position (GRCh38, 1-based): chr6:32,046,345, A deleted on the plus strand (T on the coding strand, the reverse complement: TNXB is on the minus strand); the first of 2 consecutive A bases (chr6:32,046,345-32,046,346); deleting either gives the same sequence. VCF-style (leftmost placement, unchanged base first): chr6-32046344-GA-G. GRCh37 (hg19) VCF-style: chr6-32014121-GA-G.
Other names: c.11177del, p.Phe3726fs (NM_001428335.1); c.10430del, p.Phe3477fs (NM_019105.8); short protein forms F3726fs, F3477fs, F3479fs.
Identifiers: ClinVar variation 4730830 (VCV004730830.1).